The following is an entry in ClinVar:

NM_020843.4(SCAPER):c.2873G>A (p.Gly958Asp)

Gene: SCAPER (S-phase cyclin A associated protein in the ER; minus strand). Cytogenetic location: 15q24.3.
Variant type: single nucleotide variant.
Coding change: c.2873G>A on transcript NM_020843.4 (MANE Select); coding-DNA position 2873, G replaced by A.
Protein change: p.Gly958Asp; replaces glycine 958 with aspartic acid.
Molecular consequence: missense variant. On other transcripts: non-coding transcript variant (1).
Genome position (GRCh38, 1-based): chr15:76,504,940, C>T on the plus strand (G>A on the coding strand, the complement: SCAPER is on the minus strand). VCF-style: chr15-76504940-C-T. GRCh37 (hg19) VCF-style: chr15-76797281-C-T.
Other names: c.2135G>A, p.Gly712Asp (NM_001145923.2); c.2891G>A, p.Gly964Asp (NM_001353009.2); c.2471G>A, p.Gly824Asp (NM_001353010.2, NM_001353012.2); c.2489G>A, p.Gly830Asp (NM_001353011.2); short protein forms G824D, G958D, G964D, G712D, G830D.
Identifiers: ClinVar variation 4995711 (VCV004995711.1).

ClinVar aggregate classification (germline): Uncertain significance (1 of 4 stars; one submission).

Conditions:
SCAPER-related disorder. Also called: SCAPER-related condition.

Submission:

PreventionGenetics, part of Exact Sciences
Classification: Uncertain significance for SCAPER-related condition. Last evaluated: 2026-09-24. Review status: criteria provided, single submitter. Criteria: ACMG Guidelines, 2015. Collection method: clinical testing. Allele origin: germline.
Comment: The SCAPER c.2891G>A variant is predicted to result in the amino acid substitution p.Gly964Asp. To our knowledge, this variant has not been reported in the literature or in a large population database (gnomAD), indicating this variant is rare. At this time, the clinical significance of this variant is uncertain due to the absence of conclusive functional and genetic evidence.